The following is an entry in ClinVar:

ClinVar aggregate classification (germline): Uncertain significance (1 of 4 stars; one submission).

Conditions:
Hyper-IgE recurrent infection syndrome 1, autosomal dominant. Also called: STAT3 Hyper IgE Syndrome; HYPER-IgE SYNDROME 1, AUTOSOMAL DOMINANT, WITH RECURRENT INFECTIONS; Hyper-IgE recurrent infection syndrome 1; JOB SYNDROME; Job's Syndrome. Identifiers: Orphanet 2314, MedGen C2936739, MONDO:0007818, OMIM 147060.
STAT3 gain of function. Identifiers: MedGen C4288261.

gnomAD v4.1: 1 of 1,614,206 alleles (0.000062%); no homozygotes.

Submission:

Labcorp Genetics (formerly Invitae), Labcorp
Classification: Uncertain significance for STAT3 gain of function; Hyper-IgE recurrent infection syndrome 1, autosomal dominant. Last evaluated: 2021-06-19. Review status: criteria provided, single submitter. Criteria: Invitae Variant Classification Sherloc (09022015). Collection method: clinical testing. Allele origin: germline.
Comment: In summary, the available evidence is currently insufficient to determine the role of this variant in disease. Therefore, it has been classified as a Variant of Uncertain Significance. Nucleotide substitutions within the consensus splice site are a relatively common cause of aberrant splicing (PMID: 17576681, 9536098). Algorithms developed to predict the effect of sequence changes on RNA splicing suggest that this variant is not likely to affect RNA splicing, but this prediction has not been confirmed by published transcriptional studies. This variant has not been reported in the literature in individuals with STAT3-related conditions. This variant is not present in population databases (ExAC no frequency). This sequence change falls in intron 19 of the STAT3 gene. It does not directly change the encoded amino acid sequence of the STAT3 protein. It affects a nucleotide within the consensus splice site of the intron.

Literature cited by the submitters: PubMed 17576681; PubMed 9536098.

NM_139276.3(STAT3):c.1749-3C>T

Gene: STAT3 (signal transducer and activator of transcription 3; minus strand). Cytogenetic location: 17q21.2.
Variant type: single nucleotide variant.
Coding change: c.1749-3C>T on transcript NM_139276.3 (MANE Select); 3 bases into the intron before coding-DNA position 1749, C replaced by T.
Molecular consequence: intron variant.
Genome position (GRCh38, 1-based): chr17:42,323,146, G>A on the plus strand (C>T on the coding strand, the complement: STAT3 is on the minus strand). VCF-style: chr17-42323146-G-A. GRCh37 (hg19) VCF-style: chr17-40475164-G-A.
Other names: c.1653-3C>T (NM_001384989.1); c.1689-3C>T (NM_001384992.1); c.1665-3C>T (NM_001384984.1); c.1749-3C>T (NM_001369519.1, NM_003150.4, NM_001369517.1 and 9 more transcripts); c.1671-3C>T (NM_001384985.1); c.1728-3C>T (NM_001384987.1); c.1722-3C>T (NM_001384991.1); c.1764-3C>T (NM_001384986.1, NM_001384990.1).
Identifiers: ClinVar variation 1520639 (VCV001520639.6), dbSNP rs2144694795, ClinGen allele CA2573153781.